The following is an entry in ClinVar:

ClinVar aggregate classification (germline): Benign/Likely benign. Review status: criteria provided, multiple submitters, no conflicts (2 of 4 stars). 4 submissions from 4 submitters: Benign (2); Likely benign (2). Last evaluated 2026-09-01.

Conditions:
NOTCH3-related disorder. Also called: NOTCH3-related condition; NOTCH3-related disorders.

Allele frequency attached by ClinVar (database versions not stated): gnomAD exomes 0.00004 and 0.00011; gnomAD 0.00006 and 0.00007; TOPMed 0.00007; ExAC 0.00015; 1000 Genomes Project 30x 0.00016; 1000 Genomes Project 0.00020.
gnomAD v4.1: 72 of 1,613,824 alleles (0.0045%); highest among the groups gnomAD compares: East Asian, 0.047%; 1 homozygote.

Submissions (4):

PreventionGenetics, part of Exact Sciences
Classification: Likely benign for NOTCH3-related condition. Last evaluated: 2026-09-01. Review status: criteria provided, single submitter. Criteria: ACMG Guidelines, 2015. Collection method: clinical testing. Allele origin: germline.
Comment: This variant is classified as likely benign based on ACMG/AMP sequence variant interpretation guidelines (Richards et al. 2015 PMID: 25741868, with internal and published modifications).

CeGaT Center for Human Genetics Tuebingen
Classification: Likely benign. Last evaluated: 2026-04-01. Review status: criteria provided, single submitter. Criteria: CeGaT Center For Human Genetics Tuebingen Variant Classification Criteria Version 2. Collection method: clinical testing. Allele origin: germline. Affected: yes. Observed: 2 variant alleles.
Comment: NOTCH3: BP4, BP7

Labcorp Genetics (formerly Invitae), Labcorp
Classification: Benign. Last evaluated: 2025-07-23. Review status: criteria provided, single submitter. Criteria: Invitae Variant Classification Sherloc (09022015). Collection method: clinical testing. Allele origin: germline.

Athena Diagnostics
Classification: Benign. Last evaluated: 2020-09-29. Review status: criteria provided, single submitter. Criteria: Athena Diagnostics criteria. Collection method: clinical testing. Allele origin: unknown.

NM_000435.3(NOTCH3):c.5937C>T (p.Ala1979=)

Gene: NOTCH3 (notch receptor 3; minus strand). Cytogenetic location: 19p13.12.
Variant type: single nucleotide variant.
Coding change: c.5937C>T on transcript NM_000435.3 (MANE Select); coding-DNA position 5937, C replaced by T.
Protein change: p.Ala1979=; no amino-acid change (alanine 1979 retained).
Molecular consequence: synonymous variant.
Genome position (GRCh38, 1-based): chr19:15,161,691, G>A on the plus strand (C>T on the coding strand, the complement: NOTCH3 is on the minus strand). VCF-style: chr19-15161691-G-A. GRCh37 (hg19) VCF-style: chr19-15272502-G-A.
Identifiers: ClinVar variation 1256531 (VCV001256531.27), dbSNP rs570392715, ClinGen allele CA9262461.